The following is an entry in ClinVar:

ClinVar aggregate classification (germline): Likely benign (1 of 4 stars; one submission).

Submission:

CeGaT Center for Human Genetics Tuebingen
Classification: Likely benign. Last evaluated: 2024-12-01. Review status: criteria provided, single submitter. Criteria: CeGaT Center For Human Genetics Tuebingen Variant Classification Criteria Version 2. Collection method: clinical testing. Allele origin: germline. Affected: yes. Observed: 1 variant allele.
Comment: SHMT2: BP4, BP7

NM_005412.6(SHMT2):c.993C>T (p.Ala331=)

Gene: SHMT2 (serine hydroxymethyltransferase 2; plus strand). Cytogenetic location: 12q13.3.
Variant type: single nucleotide variant.
Coding change: c.993C>T on transcript NM_005412.6 (MANE Select); coding-DNA position 993, C replaced by T.
Protein change: p.Ala331=; no amino-acid change (alanine 331 retained).
Molecular consequence: synonymous variant. On other transcripts: non-coding transcript variant (4).
Genome position (GRCh38, 1-based): chr12:57,233,315, C>T. VCF-style: chr12-57233315-C-T. GRCh37 (hg19) VCF-style: chr12-57627098-C-T.
Other names: c.963C>T, p.Ala321= (NM_001166356.2); c.930C>T, p.Ala310= (NM_001166357.1, NM_001166358.2, NM_001166359.1).
Identifiers: ClinVar variation 3770408 (VCV003770408.13).
Genomic context (GRCh38, chr12:57,233,315, plus strand): 5'-TGAGGACCGAATCAACTTTGCCGTGTTCCCATCCCTGCAGGGGGGCCCCCACAATCATGC[C>T]ATTGCTGCAGTAGCTGTGGCCCTAAAGCAGGTTGGGGATCCTGTCTTTGTAGGGTGTGGG-3'
Protein context (NP_005403.2, residues 321-341): PSLQGGPHNH[Ala331=]IAAVAVALKQ